The following is an entry in ClinVar:

NM_001382347.1(MYO5A):c.1402-3C>T

Gene: MYO5A (myosin VA; minus strand). Cytogenetic location: 15q21.2.
Variant type: single nucleotide variant.
Coding change: c.1402-3C>T on transcript NM_001382347.1 (MANE Select); 3 bases into the intron before coding-DNA position 1402, C replaced by T.
Molecular consequence: intron variant.
Genome position (GRCh38, 1-based): chr15:52,392,073, G>A on the plus strand (C>T on the coding strand, the complement: MYO5A is on the minus strand). VCF-style: chr15-52392073-G-A. GRCh37 (hg19) VCF-style: chr15-52684270-G-A.
Other names: c.1402-3C>T (NM_000259.3, NM_001142495.2); c.1474-3C>T (NM_001382349.1, NM_001382348.1).
Identifiers: ClinVar variation 2069674 (VCV002069674.4), dbSNP rs2543933650, ClinGen allele CA2575730883.

ClinVar aggregate classification (germline): Uncertain significance (1 of 4 stars; one submission).

Submission:

Labcorp Genetics (formerly Invitae), Labcorp
Classification: Uncertain significance. Last evaluated: 2022-01-02. Review status: criteria provided, single submitter. Criteria: Invitae Variant Classification Sherloc (09022015). Collection method: clinical testing. Allele origin: germline.
Comment: This variant has not been reported in the literature in individuals affected with MYO5A-related conditions. Variants that disrupt the consensus splice site are a relatively common cause of aberrant splicing (PMID: 17576681, 9536098). Algorithms developed to predict the effect of sequence changes on RNA splicing suggest that this variant is not likely to affect RNA splicing. In summary, the available evidence is currently insufficient to determine the role of this variant in disease. Therefore, it has been classified as a Variant of Uncertain Significance. This sequence change falls in intron 11 of the MYO5A gene. It does not directly change the encoded amino acid sequence of the MYO5A protein. It affects a nucleotide within the consensus splice site. This variant is not present in population databases (gnomAD no frequency).

Literature cited by the submitters: PubMed 17576681; PubMed 9536098.